The following is an entry in ClinVar:

ClinVar aggregate classification (germline): Conflicting classifications of pathogenicity. Review status: criteria provided, conflicting classifications (1 of 4 stars). 8 submissions from 8 submitters: Uncertain significance (3); Likely benign (5). Last evaluated 2026-06-19.

Conditions:
Tuberous sclerosis 2 (TSC2). Identifiers: Orphanet 805, MedGen C1860707, MONDO:0013199, OMIM 613254.
TSC2-related disorder. Also called: TSC2-Related Disorders; TSC2-related condition.
Hereditary cancer-predisposing syndrome. Also called: Hereditary Cancer Syndrome; Neoplastic Syndromes, Hereditary; Tumor predisposition; Hereditary neoplastic syndrome. Identifiers: Orphanet 140162, MedGen C0027672, MeSH D009386, MONDO:0015356.
Tuberous sclerosis syndrome (TSC). Also called: Tuberous Sclerosis Complex; Tuberous sclerosis. Identifiers: Orphanet 805, MedGen C0041341, MONDO:0001734.

Allele frequency attached by ClinVar (database versions not stated): ExAC 0.00001; TOPMed 0.00002; gnomAD 0.00006.
gnomAD v4.1: 25 of 1,612,848 alleles (0.0016%); highest among the groups gnomAD compares: East Asian, 0.011%; no homozygotes.

Submissions (8):

PreventionGenetics, part of Exact Sciences
Classification: Likely benign for TSC2-related condition. Last evaluated: 2026-06-19. Review status: criteria provided, single submitter. Criteria: ACMG Guidelines, 2015. Collection method: clinical testing. Allele origin: germline.
Comment: This variant is classified as likely benign based on ACMG/AMP sequence variant interpretation guidelines (Richards et al. 2015 PMID: 25741868, with internal and published modifications).

Labcorp Genetics (formerly Invitae), Labcorp
Classification: Likely benign for Tuberous sclerosis 2. Last evaluated: 2026-01-27. Review status: criteria provided, single submitter. Criteria: Invitae Variant Classification Sherloc (09022015). Collection method: clinical testing. Allele origin: germline.

Quest Diagnostics Nichols Institute San Juan Capistrano
Classification: Uncertain significance. Last evaluated: 2024-11-15. Review status: criteria provided, single submitter. Criteria: Quest Diagnostics criteria. Collection method: clinical testing. Allele origin: unknown.
Comment: The TSC2 c.3733C>T (p.Arg1245Trp) variant has not been reported in individuals with TSC2-related conditions in the published literature. The frequency of this variant in the general population, 0.000014 (4/281256 chromosomes (Genome Aggregation Database)), is uninformative in the assessment of its pathogenicity. Analysis of this variant using bioinformatics tools for the prediction of the effect of amino acid changes on protein structure and function yielded predictions that this variant is benign. Based on the available information, we are unable to determine the clinical significance of this variant.

Myriad Genetics, Inc.
Classification: Likely benign for Tuberous sclerosis 2. Last evaluated: 2024-08-06. Review status: criteria provided, single submitter. Criteria: Myriad Autosomal Dominant, Autosomal Recessive and X-Linked Classification Criteria (2023). Collection method: clinical testing. Allele origin: unknown.
Comment: This variant is considered likely benign. This variant has been observed at a population frequency that is significantly greater than expected given the associated disease prevalence and penetrance.

Color Diagnostics, LLC DBA Color Health
Classification: Uncertain significance for Tuberous sclerosis syndrome. Last evaluated: 2024-03-06. Review status: criteria provided, single submitter. Criteria: ACMG Guidelines, 2015. Collection method: clinical testing. Allele origin: germline.
Comment: This missense variant replaces arginine with tryptophan at codon 1245 of the TSC2 protein. Computational prediction is inconclusive regarding the impact of this variant on protein structure and function. To our knowledge, functional studies have not been reported for this variant. This variant has not been reported in individuals affected with TSC2-related disorders in the literature. This variant has been identified in 4/281256 chromosomes in the general population by the Genome Aggregation Database (gnomAD). The available evidence is insufficient to determine the role of this variant in disease conclusively. Therefore, this variant is classified as a Variant of Uncertain Significance.

Sema4
Classification: Uncertain significance for Hereditary cancer-predisposing syndrome. Last evaluated: 2021-12-17. Review status: criteria provided, single submitter. Criteria: Sema4 Curation Guidelines. Collection method: curation. Allele origin: germline.
Comment: The TSC2 c.3733C>T (p.R1245W) variant has not been reported in the literature to our knowledge. It was observed in 2/19924 chromosomes of the East Asian subpopulation in the large and broad cohorts of the Genome Aggregation Database (PMID: 32461654), and has been reported in ClinVar (Variation ID 318328). Functional studies have not been performed, and in silico predictions of the variant's effect on protein function are inconclusive. The evidence is insufficient to meet ACMG/AMP criteria for classifying the variant as benign or pathogenic. Thus, the clinical significance of this variant is currently uncertain.

Genome-Nilou Lab
Classification: Likely benign for Tuberous sclerosis 2. Last evaluated: 2021-11-07. Review status: criteria provided, single submitter. Criteria: ACMG Guidelines, 2015. Collection method: clinical testing. Allele origin: germline. Affected: no.

Ambry Genetics
Classification: Likely benign for Hereditary cancer-predisposing syndrome. Last evaluated: 2018-03-23. Review status: criteria provided, single submitter. Criteria: Ambry Variant Classification Scheme 2023. Collection method: clinical testing. Allele origin: germline.

NM_000548.5(TSC2):c.3733C>T (p.Arg1245Trp)

Gene: TSC2 (TSC complex subunit 2; plus strand). Cytogenetic location: 16p13.3.
Variant type: single nucleotide variant.
Coding change: c.3733C>T on transcript NM_000548.5 (MANE Select); coding-DNA position 3733, C replaced by T.
Protein change: p.Arg1245Trp; replaces arginine 1245 with tryptophan.
Molecular consequence: missense variant.
Genome position (GRCh38, 1-based): chr16:2,081,717, C>T. VCF-style: chr16-2081717-C-T. GRCh37 (hg19) VCF-style: chr16-2131718-C-T.
Other names: c.3601C>T, p.Arg1201Trp (NM_001077183.3, NM_001370404.1); c.3733C>T, p.Arg1245Trp (NM_001114382.3); c.3493C>T, p.Arg1165Trp (NM_001318827.2); c.3457C>T, p.Arg1153Trp (NM_001318829.2); c.3001C>T, p.Arg1001Trp (NM_001318831.2); c.3634C>T, p.Arg1212Trp (NM_001318832.2); c.3604C>T, p.Arg1202Trp (NM_001363528.2, NM_001370405.1, NM_021055.3); c.3733C>T (NM_000548.4); short protein forms R1245W, R1153W, R1165W, R1001W, R1202W, R1212W, R1201W.
Identifiers: ClinVar variation 318328 (VCV000318328.25), dbSNP rs777489742, ClinGen allele CA048198.
Genomic context (GRCh38, chr16:2,081,717, plus strand): 5'-AACATGCCCCTGCAGGAGCTGTCTAACGCCCTCATGGCGGCTGAGCGCTTCAAGGAGCAC[C>T]GGGACACAGCCCTGTACAAGTCACTGTCGGTGCCGGCAGCCAGCACGGCCAAACCCCCTC-3'
Protein context (NP_000539.2, residues 1235-1255): LMAAERFKEH[Arg1245Trp]DTALYKSLSV